The following is an entry in ClinVar:

ClinVar aggregate classification (germline): Uncertain significance. Review status: criteria provided, multiple submitters, no conflicts (2 of 4 stars). 2 submissions from 2 submitters: Uncertain significance (2). Last evaluated 2024-05-04.

Conditions:
DNA ligase IV deficiency. Identifiers: Orphanet 99812, MedGen C1847827, MONDO:0011686, OMIM 606593.

Allele frequency attached by ClinVar (database versions not stated): gnomAD 0.00001; gnomAD exomes 0.00004.
gnomAD v4.1: 22 of 1,613,088 alleles (0.0014%); highest among the groups gnomAD compares: East Asian, 0.049%; no homozygotes.

Submissions (2):

Women's Health and Genetics/Laboratory Corporation of America, LabCorp
Classification: Uncertain significance. Last evaluated: 2024-05-04. Review status: criteria provided, single submitter. Criteria: LabCorp Variant Classification Summary - May 2015. Collection method: clinical testing. Allele origin: germline.
Comment: Variant summary: LIG4 c.788T>C (p.Met263Thr) results in a non-conservative amino acid change located in the DNA ligase, ATP-dependent, central domain (IPR012310) of the encoded protein sequence. Five of five in-silico tools predict a damaging effect of the variant on protein function. The variant was absent in 250096 control chromosomes. The available data on variant occurrences in the general population are insufficient to allow any conclusion about variant significance. To our knowledge, no occurrence of c.788T>C in individuals affected with Severe Combined Immunodeficiency and no experimental evidence demonstrating its impact on protein function have been reported. ClinVar contains an entry for this variant (Variation ID: 1906654). Based on the evidence outlined above, the variant was classified as uncertain significance.

Labcorp Genetics (formerly Invitae), Labcorp
Classification: Uncertain significance for DNA ligase IV deficiency. Last evaluated: 2023-11-24. Review status: criteria provided, single submitter. Criteria: Invitae Variant Classification Sherloc (09022015). Collection method: clinical testing. Allele origin: germline.
Comment: This sequence change replaces methionine, which is neutral and non-polar, with threonine, which is neutral and polar, at codon 263 of the LIG4 protein (p.Met263Thr). This variant is not present in population databases (gnomAD no frequency). This variant has not been reported in the literature in individuals affected with LIG4-related conditions. ClinVar contains an entry for this variant (Variation ID: 1906654). Advanced modeling of protein sequence and biophysical properties (such as structural, functional, and spatial information, amino acid conservation, physicochemical variation, residue mobility, and thermodynamic stability) has been performed at Invitae for this missense variant, however the output from this modeling did not meet the statistical confidence thresholds required to predict the impact of this variant on LIG4 protein function. In summary, the available evidence is currently insufficient to determine the role of this variant in disease. Therefore, it has been classified as a Variant of Uncertain Significance.

NM_206937.2(LIG4):c.788T>C (p.Met263Thr)

Gene: LIG4 (DNA ligase 4; minus strand). Cytogenetic location: 13q33.3.
Variant type: single nucleotide variant.
Coding change: c.788T>C on transcript NM_206937.2 (MANE Select); coding-DNA position 788, T replaced by C.
Protein change: p.Met263Thr; replaces methionine 263 with threonine.
Molecular consequence: missense variant.
Genome position (GRCh38, 1-based): chr13:108,210,481, A>G on the plus strand (T>C on the coding strand, the complement: LIG4 is on the minus strand). VCF-style: chr13-108210481-A-G. GRCh37 (hg19) VCF-style: chr13-108862829-A-G.
Other names: c.788T>C, p.Met263Thr (NM_001098268.2, NM_001352598.2, NM_001352599.2 and 6 more transcripts); c.587T>C, p.Met196Thr (NM_001330595.2); c.824T>C, p.Met275Thr (NM_001352604.2); short protein forms M275T, M196T, M263T.
Identifiers: ClinVar variation 1906654 (VCV001906654.4), dbSNP rs1594463343, ClinGen allele CA388620380.